The following is an entry in ClinVar:

NM_014516.4(CNOT3):c.1435G>A (p.Gly479Arg)

Gene: CNOT3 (CCR4-NOT transcription complex subunit 3; plus strand). Cytogenetic location: 19q13.42.
Variant type: single nucleotide variant.
Coding change: c.1435G>A on transcript NM_014516.4 (MANE Select); coding-DNA position 1435, G replaced by A.
Protein change: p.Gly479Arg; replaces glycine 479 with arginine.
Molecular consequence: missense variant.
Genome position (GRCh38, 1-based): chr19:54,149,588, G>A. VCF-style: chr19-54149588-G-A. GRCh37 (hg19) VCF-style: chr19-54653323-G-A.
Other names: short protein forms G479R.
Identifiers: ClinVar variation 2650419 (VCV002650419.24), dbSNP rs2518461220, ClinGen allele CA407766389.
Genomic context (GRCh38, chr19:54,149,588, plus strand): 5'-TCTCAACCCCCTCTTCCATGCTCTCTCTCCAGGAAGGAACCCAGTGCGGCAGCCCCAACG[G>A]GGGCTGGGGGCGTGGCCCCAGGCTCAGGGAACAACTCAGGGGGACCCAGCCTCCTGGTGC-3'
Protein context (NP_055331.1, residues 469-489): SKEPSAAAPT[Gly479Arg]AGGVAPGSGN

ClinVar aggregate classification (germline): Uncertain significance (1 of 4 stars; one submission).

Allele frequency attached by ClinVar (database versions not stated): gnomAD exomes 0.00001.
gnomAD v4.1: 3 of 1,602,574 alleles (0.00019%); highest among the groups gnomAD compares: Non-Finnish European, 0.00026%; no homozygotes.

Submission:

CeGaT Center for Human Genetics Tuebingen
Classification: Uncertain significance. Last evaluated: 2023-09-01. Review status: criteria provided, single submitter. Criteria: CeGaT Center For Human Genetics Tuebingen Variant Classification Criteria Version 2. Collection method: clinical testing. Allele origin: germline. Affected: yes. Observed: 1 variant allele.
Comment: CNOT3: PM2